The following is an entry in ClinVar:

NM_001354604.2(MITF):c.802_803inv (p.Gln268Ter)

Gene: MITF (melanocyte inducing transcription factor; plus strand). Cytogenetic location: 3p13.
Variant type: Inversion.
Coding change: c.802_803inv on transcript NM_001354604.2 (MANE Select).
Protein change: p.Gln268Ter; replaces glutamine 268 with a stop codon.
Molecular consequence: nonsense.
Genome position: GRCh38 VCF-style: chr3-69949090-CA-TG. GRCh37 (hg19) VCF-style: chr3-69998241-CA-TG.
Other names: c.481_482invCA, p.Gln161Ter (NM_000248.3); c.481_482inv, p.Gln161Ter (NM_000248.4, NM_198158.3); c.646_647inv, p.Gln216Ter (NM_001184967.2, NM_001354608.2); c.799_800inv, p.Gln267Ter (NM_001354605.2, NM_001354606.2, NM_006722.3); c.751_752inv, p.Gln251Ter (NM_001354607.2); c.802_803inv, p.Gln268Ter (NM_198159.3); c.754_755inv, p.Gln252Ter (NM_198177.3); c.313_314inv, p.Gln105Ter (NM_198178.3); short protein forms Q105*, Q161*, Q216*, Q251*, Q252*, Q267*, Q268*.
Identifiers: ClinVar variation 3601240 (VCV003601240.1).

ClinVar aggregate classification (germline): Likely pathogenic (1 of 4 stars; one submission).

Conditions:
Waardenburg syndrome type 2A (WS2A). Also called: WAARDENBURG SYNDROME WITHOUT DYSTOPIA CANTHORUM. Identifiers: Orphanet 3440, MedGen C1860339, MONDO:0008671, OMIM 193510.

Submission:

Institute of Rare Diseases, West China Hospital, Sichuan University
Classification: Likely pathogenic for Waardenburg syndrome type 2A. Last evaluated: 2025-01-09. Review status: criteria provided, single submitter. Criteria: ClinGen HL ACMG Specifications v1. Collection method: research. Allele origin: germline. Affected: yes.
Comment: PVS1;PM2_Supporting